The following is an entry in ClinVar:

NM_000051.4(ATM):c.1880del (p.Phe627fs)

Gene: ATM (ATM serine/threonine kinase; plus strand). Cytogenetic location: 11q22.3.
Variant type: Deletion.
Coding change: c.1880del on transcript NM_000051.4 (MANE Select); coding-DNA position 1880, one base deleted (T; older notation c.1880delT).
Protein change: p.Phe627fs; shifts the reading frame from phenylalanine 627.
Molecular consequence: frameshift variant.
Genome position (GRCh38, 1-based): chr11:108,252,894, T deleted; the last of 6 consecutive T bases (chr11:108,252,889-108,252,894); deleting any one gives the same sequence. VCF-style (leftmost placement, unchanged base first): chr11-108252888-AT-A. GRCh37 (hg19) VCF-style: chr11-108123615-AT-A.
Other names: c.1880del, p.Phe627fs (NM_001351834.2); short protein forms F627fs.
Identifiers: ClinVar variation 2431246 (VCV002431246.1), dbSNP rs786202474, ClinGen allele CA476672248.

ClinVar aggregate classification (germline): Pathogenic (1 of 4 stars; one submission).

Conditions:
Familial cancer of breast. Also called: Hereditary breast cancer; BREAST CANCER, FAMILIAL; hereditary breast carcinoma. Identifiers: Orphanet 227535, MedGen C0346153, MONDO:0016419, OMIM 114480. Disease mechanism: loss of function.

Submission:

Myriad Genetics, Inc.
Classification: Pathogenic for Familial cancer of breast. Last evaluated: 2023-01-13. Review status: criteria provided, single submitter. Criteria: Myriad Autosomal Dominant, Autosomal Recessive and X-Linked Classification Criteria (2023). Collection method: clinical testing. Allele origin: unknown.
Comment: This variant is considered pathogenic. This variant creates a frameshift predicted to result in premature protein truncation.